The following is an entry in ClinVar:

ClinVar aggregate classification (germline): Uncertain significance (1 of 4 stars; one submission).

Conditions:
Primary ciliary dyskinesia. Also called: Ciliary dyskinesia. Identifiers: Orphanet 244, MedGen C0008780, MONDO:0016575, HP:0012265.

gnomAD v4.1: 20 of 1,614,148 alleles (0.0012%); highest among the groups gnomAD compares: Non-Finnish European, 0.0016%; no homozygotes.

Submission:

Ambry Genetics
Classification: Uncertain significance for Primary ciliary dyskinesia. Last evaluated: 2025-10-27. Review status: criteria provided, single submitter. Criteria: Ambry Variant Classification Scheme 2023. Collection method: clinical testing. Allele origin: germline.
Comment: The p.E69K variant (also known as c.205G>A), located in coding exon 1 of the ARMC4 gene, results from a G to A substitution at nucleotide position 205. The glutamic acid at codon 69 is replaced by lysine, an amino acid with similar properties. This amino acid position is conserved. In addition, this alteration is predicted to be tolerated by in silico analysis. Based on the available evidence, the clinical significance of this variant remains unclear.

NM_018076.5(ODAD2):c.205G>A (p.Glu69Lys)

Genes: ODAD2 (outer dynein arm docking complex subunit 2; minus strand), LOC126860891 (CDK7 strongly-dependent group 2 enhancer GRCh37_chr10:28283413-28284612; plus strand). Cytogenetic location: 10p12.1.
Variant type: single nucleotide variant.
Coding change: c.205G>A on transcript NM_018076.5 (MANE Select); coding-DNA position 205, G replaced by A.
Protein change: p.Glu69Lys; replaces glutamic acid 69 with lysine.
Molecular consequence: missense variant.
Genome position (GRCh38, 1-based): chr10:27,994,938, C>T on the plus strand (G>A on the coding strand, the complement: ODAD2 is on the minus strand). VCF-style: chr10-27994938-C-T. GRCh37 (hg19) VCF-style: chr10-28283867-C-T.
Other names: c.205G>A, p.Glu69Lys (NM_001290020.2); short protein forms E69K.
Identifiers: ClinVar variation 4631704 (VCV004631704.1).